The following is an entry in ClinVar:

ClinVar aggregate classification (germline): Pathogenic (1 of 4 stars; one submission).

Conditions:
Nemaline myopathy 2 (NEM2). Also called: Nemaline myopathy 2, autosomal recessive. Identifiers: MedGen C1850569, MONDO:0009725, OMIM 256030.

Submission:

Labcorp Genetics (formerly Invitae), Labcorp
Classification: Pathogenic for Nemaline myopathy 2. Last evaluated: 2023-10-04. Review status: criteria provided, single submitter. Criteria: Invitae Variant Classification Sherloc (09022015). Collection method: clinical testing. Allele origin: unknown.
Comment: This variant is a gross deletion of the genomic region encompassing exon(s) 14-20 of the NEB gene. This variant would be expected to be in-frame, preserving the integrity of the reading frame. This variant has not been reported in the literature in individuals affected with NEB-related conditions. This variant disrupts a region of the NEB protein in which other variant(s) (p.Asp498Gly) have been determined to be pathogenic (PMID: 32403337; Invitae). This suggests that this is a clinically significant region of the protein, and that variants that disrupt it are likely to be disease-causing. For these reasons, this variant has been classified as Pathogenic.

Literature cited by the submitters: PubMed 32403337.

NC_000002.11:g.(?_152550817)_(152554182_?)del

Gene: NEB (nebulin; minus strand). Cytogenetic location: 2q23.3.
Variant type: Deletion.
Identifiers: ClinVar variation 3247252 (VCV003247252.1).